The following is an entry in ClinVar:

ClinVar aggregate classification (germline): Pathogenic (1 of 4 stars; one submission).

Submission:

Labcorp Genetics (formerly Invitae), Labcorp
Classification: Pathogenic. Last evaluated: 2021-03-10. Review status: criteria provided, single submitter. Criteria: Invitae Variant Classification Sherloc (09022015). Collection method: clinical testing. Allele origin: germline.
Comment: This sequence change creates a premature translational stop signal (p.Glu60Argfs*3) in the C8orf37 gene. It is expected to result in an absent or disrupted protein product. Loss-of-function variants in C8orf37 are known to be pathogenic (PMID: 22177090, 25802487, 26865426). This variant is not present in population databases (ExAC no frequency). This variant has not been reported in the literature in individuals with C8orf37-related conditions. ClinVar contains an entry for this variant (Variation ID: 956772). For these reasons, this variant has been classified as Pathogenic.

Literature cited by the submitters: PubMed 22177090; PubMed 25802487; PubMed 26865426.

NM_177965.4(CFAP418):c.177dup (p.Glu60fs)

Gene: CFAP418 (cilia and flagella associated protein 418; minus strand). Cytogenetic location: 8q22.1.
Variant type: Duplication.
Coding change: c.177dup on transcript NM_177965.4 (MANE Select); coding-DNA position 177, one base duplicated (A; older notation c.177dupA).
Protein change: p.Glu60fs; shifts the reading frame from glutamic acid 60.
Molecular consequence: frameshift variant.
Genome position (GRCh38, 1-based): chr8:95,263,753, T duplicated on the plus strand (A on the coding strand, the reverse complement: CFAP418 is on the minus strand); the first of 6 consecutive T bases (chr8:95,263,753-95,263,758); duplicating any one gives the same sequence. VCF-style (leftmost placement, unchanged base first): chr8-95263752-C-CT. GRCh37 (hg19) VCF-style: chr8-96275980-C-CT.
Other names: c.177dup, p.Glu60fs (NM_001363260.1); short protein forms E60fs.
Identifiers: ClinVar variation 956772 (VCV000956772.7), dbSNP rs1811931460, ClinGen allele CA1139660668.
Genomic context (GRCh38, chr8:95,263,752, plus strand): 5'-GTTTTTTGTCCAAGTTGGGCTCTTCAAGTATTTCATTAATAAGACTGTCAAGATCATCTT[C>CT]TTTTTTAAATGTTTCTGTTGATCTGAAAAGAAGACATACACAAAGAAAACTTACCTGAGG-3'